The following is an entry in ClinVar:

ClinVar aggregate classification (germline): Uncertain significance (1 of 4 stars; one submission).

Conditions:
Epileptic encephalopathy. Identifiers: MedGen C0543888, HP:0200134.

Allele frequency attached by ClinVar (database versions not stated): gnomAD below 0.00001 and 0.00001; TOPMed below 0.00001; ExAC 0.00002; gnomAD exomes 0.00002.
gnomAD v4.1: 23 of 1,606,026 alleles (0.0014%); highest among the groups gnomAD compares: South Asian, 0.025%; no homozygotes.

Submission:

Labcorp Genetics (formerly Invitae), Labcorp
Classification: Uncertain significance for Epileptic encephalopathy. Last evaluated: 2020-03-03. Review status: criteria provided, single submitter. Criteria: Invitae Variant Classification Sherloc (09022015). Collection method: clinical testing. Allele origin: germline.
Comment: In summary, the available evidence is currently insufficient to determine the role of this variant in disease. Therefore, it has been classified as a Variant of Uncertain Significance. Algorithms developed to predict the effect of missense changes on protein structure and function are either unavailable or do not agree on the potential impact of this missense change (SIFT: "Deleterious"; PolyPhen-2: "Benign"; Align-GVGD: "Class C0"). This variant has not been reported in the literature in individuals with GABBR2-related conditions. This variant is present in population databases (rs758721783, ExAC 0.01%). This sequence change replaces lysine with glutamic acid at codon 876 of the GABBR2 protein (p.Lys876Glu). The lysine residue is moderately conserved and there is a small physicochemical difference between lysine and glutamic acid.

NM_005458.8(GABBR2):c.2626A>G (p.Lys876Glu)

Gene: GABBR2 (gamma-aminobutyric acid type B receptor subunit 2; minus strand). Cytogenetic location: 9q22.33.
Variant type: single nucleotide variant.
Coding change: c.2626A>G on transcript NM_005458.8 (MANE Select); coding-DNA position 2626, A replaced by G.
Protein change: p.Lys876Glu; replaces lysine 876 with glutamic acid.
Molecular consequence: missense variant.
Genome position (GRCh38, 1-based): chr9:98,293,819, T>C on the plus strand (A>G on the coding strand, the complement: GABBR2 is on the minus strand). VCF-style: chr9-98293819-T-C. GRCh37 (hg19) VCF-style: chr9-101056101-T-C.
Other names: short protein forms K876E.
Identifiers: ClinVar variation 1002780 (VCV001002780.8), dbSNP rs758721783, ClinGen allele CA5152415.